The following is an entry in ClinVar:

ClinVar aggregate classification (germline): Conflicting classifications of pathogenicity. Review status: criteria provided, conflicting classifications (1 of 4 stars). 4 submissions from 4 submitters: Uncertain significance (3); Likely benign (1). Last evaluated 2026-09-01.

Conditions:
Emery-Dreifuss muscular dystrophy 5, autosomal dominant (EDMD5). Also called: EMERY-DREIFUSS MUSCULAR DYSTROPHY 5. Identifiers: Orphanet 261, MedGen C2751805, MONDO:0013072, OMIM 612999.

Allele frequency attached by ClinVar (database versions not stated): gnomAD 0.00001; ExAC 0.00002; TOPMed 0.00002; gnomAD exomes 0.00003 and 0.00008.
gnomAD v4.1: 119 of 1,613,884 alleles (0.0074%); highest among the groups gnomAD compares: Non-Finnish European, 0.0094%; no homozygotes.

Submissions (4):

CeGaT Center for Human Genetics Tuebingen
Classification: Likely benign. Last evaluated: 2026-09-01. Review status: criteria provided, single submitter. Criteria: CeGaT Center For Human Genetics Tuebingen Variant Classification Criteria Version 2. Collection method: clinical testing. Allele origin: germline. Affected: yes. Observed: 1 variant allele.
Comment: SYNE2: BP4

Labcorp Genetics (formerly Invitae), Labcorp
Classification: Uncertain significance for Emery-Dreifuss muscular dystrophy 5, autosomal dominant. Last evaluated: 2025-09-01. Review status: criteria provided, single submitter. Criteria: Invitae Variant Classification Sherloc (09022015). Collection method: clinical testing. Allele origin: germline.
Comment: This sequence change replaces valine, which is neutral and non-polar, with phenylalanine, which is neutral and non-polar, at codon 5340 of the SYNE2 protein (p.Val5340Phe). This variant is present in population databases (rs200214648, gnomAD 0.006%). This variant has not been reported in the literature in individuals affected with SYNE2-related conditions. ClinVar contains an entry for this variant (Variation ID: 1473922). An algorithm developed to predict the effect of missense changes on protein structure and function (PolyPhen-2) suggests that this variant is likely to be disruptive. In summary, the available evidence is currently insufficient to determine the role of this variant in disease. Therefore, it has been classified as a Variant of Uncertain Significance.

Ambry Genetics
Classification: Uncertain significance. Last evaluated: 2025-08-08. Review status: criteria provided, single submitter. Criteria: Ambry Variant Classification Scheme 2023. Collection method: clinical testing. Allele origin: germline.

Breakthrough Genomics
Classification: Uncertain significance. Review status: criteria provided, single submitter. Criteria: ACMG Guidelines, 2015. Collection method: not provided. Allele origin: germline. Inheritance: Autosomal dominant inheritance. Affected: yes.

NM_182914.3(SYNE2):c.16018G>T (p.Val5340Phe)

Gene: SYNE2 (spectrin repeat containing nuclear envelope protein 2; plus strand). Cytogenetic location: 14q23.2.
Variant type: single nucleotide variant.
Coding change: c.16018G>T on transcript NM_182914.3 (MANE Select); coding-DNA position 16018, G replaced by T.
Protein change: p.Val5340Phe; replaces valine 5340 with phenylalanine.
Molecular consequence: missense variant.
Genome position (GRCh38, 1-based): chr14:64,159,366, G>T. VCF-style: chr14-64159366-G-T. GRCh37 (hg19) VCF-style: chr14-64626084-G-T.
Other names: c.16018G>T, p.Val5340Phe (NM_015180.6); c.16018G>T (NM_182914.2); short protein forms V5340F.
Identifiers: ClinVar variation 1473922 (VCV001473922.11), dbSNP rs200214648, ClinGen allele CA7223238.
Genomic context (GRCh38, chr14:64,159,366, plus strand): 5'-TCTTAGTCTCTGCAAGATGAAGCTGAGAGCAGTGAAGGGAGTTGGGAGAAACTCCAGGAG[G>T]TTATCGGCAAACTCAAAGGTCTCTGCCCCTCTGTTGCTGAAATAATCGAAGAGAAATGCC-3'
Protein context (NP_878918.2, residues 5330-5350): SEGSWEKLQE[Val5340Phe]IGKLKGLCPS